The following is an entry in ClinVar:

ClinVar aggregate classification (germline): Uncertain significance. Review status: criteria provided, multiple submitters, no conflicts (2 of 4 stars). 5 submissions from 5 submitters: Uncertain significance (5). Last evaluated 2026-08-24.

Conditions:
PDE6B-related disorder. Also called: PDE6B-related disease; PDE6B-related condition; PDE6B-related disorders.
Retinal dystrophy. Also called: Inherited retinal dystrophy. Identifiers: Orphanet 71862, MedGen C0854723, MeSH D058499, MONDO:0019118, HP:0000556.
Retinitis pigmentosa 40 (RP40). Identifiers: Orphanet 791, MedGen C3151107, MONDO:0013429, OMIM 613801.
Congenital stationary night blindness autosomal dominant 2. Also called: NIGHT BLINDNESS, CONGENITAL STATIONARY, RAMBUSCH TYPE. Identifiers: Orphanet 215, MedGen C1876182, MONDO:0008099, OMIM 163500.

Allele frequency attached by ClinVar (database versions not stated): gnomAD 0.00007 and 0.00011; TOPMed 0.00010; ExAC 0.00013; 1000 Genomes Project 30x 0.00062; 1000 Genomes Project 0.00080.
gnomAD v4.1: 121 of 1,613,278 alleles (0.0075%); highest among the groups gnomAD compares: East Asian, 0.11%; no homozygotes.

Submissions (5):

PreventionGenetics, part of Exact Sciences
Classification: Uncertain significance for PDE6B-related condition. Last evaluated: 2026-08-24. Review status: criteria provided, single submitter. Criteria: ACMG Guidelines, 2015. Collection method: clinical testing. Allele origin: germline.
Comment: The PDE6B c.1219G>A variant is predicted to result in the amino acid substitution p.Gly407Arg. This variant was reported, along with a second potentially causative variant in the same gene, in an individual with retinal dystrophy (Table S5, Huang et al. 2015. PubMed ID: 25356976). However, this variant is reported in 0.15% of alleles in individuals of East Asian descent in gnomAD, which may be too frequent to be a primary cause of disease. Although we suspect that this variant may be benign, at this time, the clinical significance of this variant is uncertain due to the absence of conclusive functional and genetic evidence.

Labcorp Genetics (formerly Invitae), Labcorp
Classification: Uncertain significance. Last evaluated: 2025-06-09. Review status: criteria provided, single submitter. Criteria: Invitae Variant Classification Sherloc (09022015). Collection method: clinical testing. Allele origin: germline.
Comment: This sequence change replaces glycine, which is neutral and non-polar, with arginine, which is basic and polar, at codon 407 of the PDE6B protein (p.Gly407Arg). This variant is present in population databases (rs60635284, gnomAD 0.1%). This missense change has been observed in individual(s) with retinitis pigmentosa (PMID: 25356976). ClinVar contains an entry for this variant (Variation ID: 962063). Invitae Evidence Modeling of protein sequence and biophysical properties (such as structural, functional, and spatial information, amino acid conservation, physicochemical variation, residue mobility, and thermodynamic stability) has been performed for this missense variant. However, the output from this modeling did not meet the statistical confidence thresholds required to predict the impact of this variant on PDE6B protein function. In summary, the available evidence is currently insufficient to determine the role of this variant in disease. Therefore, it has been classified as a Variant of Uncertain Significance.

Blueprint Genetics
Classification: Uncertain significance. Last evaluated: 2023-11-30. Review status: criteria provided, single submitter. Criteria: ACMG Guidelines, 2015. Collection method: clinical testing. Allele origin: germline.

Dept Of Ophthalmology, Nagoya University
Classification: Uncertain significance for Retinal dystrophy. Last evaluated: 2023-10-01. Review status: criteria provided, single submitter. Criteria: Submitter's publication. Collection method: research. Allele origin: germline. Affected: yes.

Juno Genomics, Hangzhou Juno Genomics, Inc
Classification: Uncertain significance for Congenital stationary night blindness autosomal dominant 2; Retinitis pigmentosa 40. Review status: criteria provided, single submitter. Criteria: ACMG Guidelines, 2015. Collection method: clinical testing. Allele origin: germline.
Comment: Multiple lines of computational evidence support a deleterious effect on the gene or gene product.

Literature cited by the submitters: PubMed 25356976 (cited by Labcorp Genetics (formerly Invitae), Labcorp).

NM_000283.4(PDE6B):c.1219G>A (p.Gly407Arg)

Gene: PDE6B (phosphodiesterase 6B; plus strand). Cytogenetic location: 4p16.3.
Variant type: single nucleotide variant.
Coding change: c.1219G>A on transcript NM_000283.4 (MANE Select); coding-DNA position 1219, G replaced by A.
Protein change: p.Gly407Arg; replaces glycine 407 with arginine.
Molecular consequence: missense variant.
Genome position (GRCh38, 1-based): chr4:656,985, G>A. VCF-style: chr4-656985-G-A. GRCh37 (hg19) VCF-style: chr4-650774-G-A.
Other names: c.1219G>A, p.Gly407Arg (NM_001145291.2); c.382G>A, p.Gly128Arg (NM_001145292.2, NM_001350154.3, NM_001379246.1 and 1 more transcripts); c.64G>A, p.Gly22Arg (NM_001350155.3); short protein forms G128R, G407R, G22R.
Identifiers: ClinVar variation 962063 (VCV000962063.12), dbSNP rs60635284, ClinGen allele CA2794392.